The following is an entry in ClinVar:

ClinVar aggregate classification (germline): Uncertain significance. Review status: criteria provided, multiple submitters, no conflicts (2 of 4 stars). 2 submissions from 2 submitters: Uncertain significance (2). Last evaluated 2025-03-25.

Conditions:
Hereditary cancer-predisposing syndrome. Also called: Neoplastic Syndromes, Hereditary; Hereditary neoplastic syndrome; Tumor predisposition; Hereditary Cancer Syndrome. Identifiers: Orphanet 140162, MedGen C0027672, MeSH D009386, MONDO:0015356.
Chuvash polycythemia. Also called: POLYCYTHEMIA, VHL-DEPENDENT. Identifiers: Orphanet 238557, MedGen C1837915, MONDO:0009892, OMIM 263400.

Submissions (2):

Ambry Genetics
Classification: Uncertain significance for Hereditary cancer-predisposing syndrome. Last evaluated: 2025-03-25. Review status: criteria provided, single submitter. Criteria: Ambry Variant Classification Scheme 2023. Collection method: clinical testing. Allele origin: germline.
Comment: The p.A5T variant (also known as c.13G>A), located in coding exon 1 of the VHL gene, results from a G to A substitution at nucleotide position 13. The alanine at codon 5 is replaced by threonine, an amino acid with similar properties. This amino acid position is well conserved in available vertebrate species. In addition, this alteration is predicted to be tolerated by in silico analysis. Based on the available evidence, the clinical significance of this variant remains unclear.

Baylor Genetics
Classification: Uncertain significance for Chuvash polycythemia. Last evaluated: 2023-08-14. Review status: criteria provided, single submitter. Criteria: ACMG Guidelines, 2015. Collection method: clinical testing. Allele origin: unknown.

NM_000551.4(VHL):c.13G>A (p.Ala5Thr)

Gene: VHL (von Hippel-Lindau tumor suppressor; plus strand). Cytogenetic location: 3p25.3.
Variant type: single nucleotide variant.
Coding change: c.13G>A on transcript NM_000551.4 (MANE Select); coding-DNA position 13, G replaced by A.
Protein change: p.Ala5Thr; replaces alanine 5 with threonine.
Molecular consequence: missense variant. On other transcripts: non-coding transcript variant (1).
Genome position (GRCh38, 1-based): chr3:10,141,860, G>A. VCF-style: chr3-10141860-G-A. GRCh37 (hg19) VCF-style: chr3-10183544-G-A.
Other names: c.13G>A, p.Ala5Thr (NM_001354723.2, NM_198156.3); short protein forms A5T.
Identifiers: ClinVar variation 2679580 (VCV002679580.2), dbSNP rs1559425498, ClinGen allele CA351747026.